The following is an entry in ClinVar:

ClinVar aggregate classification (germline): Uncertain significance. Review status: criteria provided, multiple submitters, no conflicts (2 of 4 stars). 3 submissions from 3 submitters: Uncertain significance (3). Last evaluated 2025-02-22.

Conditions:
Inborn genetic diseases. Identifiers: MedGen C0950123, MeSH D030342.

Allele frequency attached by ClinVar (database versions not stated): gnomAD below 0.00001 and 0.00001; TOPMed 0.00001.
gnomAD v4.1: 12 of 1,613,774 alleles (0.00074%); highest among the groups gnomAD compares: East Asian, 0.018%; no homozygotes.

Submissions (3):

Ambry Genetics
Classification: Uncertain significance for Inborn genetic diseases. Last evaluated: 2025-02-22. Review status: criteria provided, single submitter. Criteria: Ambry Variant Classification Scheme 2023. Collection method: clinical testing. Allele origin: germline.

Labcorp Genetics (formerly Invitae), Labcorp
Classification: Uncertain significance. Last evaluated: 2024-12-10. Review status: criteria provided, single submitter. Criteria: Invitae Variant Classification Sherloc (09022015). Collection method: clinical testing. Allele origin: germline.
Comment: This sequence change replaces aspartic acid, which is acidic and polar, with glutamic acid, which is acidic and polar, at codon 1234 of the KIAA1549 protein (p.Asp1234Glu). This variant is present in population databases (rs746749231, gnomAD 0.03%). This variant has not been reported in the literature in individuals affected with KIAA1549-related conditions. ClinVar contains an entry for this variant (Variation ID: 854377). An algorithm developed to predict the effect of missense changes on protein structure and function (PolyPhen-2) suggests that this variant is likely to be disruptive. In summary, the available evidence is currently insufficient to determine the role of this variant in disease. Therefore, it has been classified as a Variant of Uncertain Significance.

Blueprint Genetics
Classification: Uncertain significance. Last evaluated: 2023-05-03. Review status: criteria provided, single submitter. Criteria: ACMG Guidelines, 2015. Collection method: clinical testing. Allele origin: germline.

NM_001164665.2(KIAA1549):c.3702C>A (p.Asp1234Glu)

Gene: KIAA1549 (KIAA1549; minus strand). Cytogenetic location: 7q34.
Variant type: single nucleotide variant.
Coding change: c.3702C>A on transcript NM_001164665.2 (MANE Select); coding-DNA position 3702, C replaced by A.
Protein change: p.Asp1234Glu; replaces aspartic acid 1234 with glutamic acid.
Molecular consequence: missense variant.
Genome position (GRCh38, 1-based): chr7:138,899,100, G>T on the plus strand (C>A on the coding strand, the complement: KIAA1549 is on the minus strand). VCF-style: chr7-138899100-G-T. GRCh37 (hg19) VCF-style: chr7-138583846-G-T.
Other names: c.3702C>A, p.Asp1234Glu (NM_020910.3); short protein forms D1234E.
Identifiers: ClinVar variation 854377 (VCV000854377.11), dbSNP rs746749231, ClinGen allele CA4506128.